The following is an entry in ClinVar:

ClinVar aggregate classification (germline): Uncertain significance. Review status: criteria provided, multiple submitters, no conflicts (2 of 4 stars). 2 submissions from 2 submitters: Uncertain significance (2). Last evaluated 2025-10-16.

Conditions:
Cardiovascular phenotype. Identifiers: MedGen CN230736.
RASopathy. Also called: Noonan spectrum disorder; rasopathies. Identifiers: Orphanet 536391, MedGen C5555857, MONDO:0021060.

gnomAD v4.1: 4 of 1,614,176 alleles (0.00025%); highest among the groups gnomAD compares: Non-Finnish European, 0.00034%; no homozygotes.

Submissions (2):

Ambry Genetics
Classification: Uncertain significance for Cardiovascular phenotype. Last evaluated: 2025-10-16. Review status: criteria provided, single submitter. Criteria: Ambry Variant Classification Scheme 2023. Collection method: clinical testing. Allele origin: germline.
Comment: The p.S486F variant (also known as c.1457C>T), located in coding exon 10 of the CBL gene, results from a C to T substitution at nucleotide position 1457. The serine at codon 486 is replaced by phenylalanine, an amino acid with highly dissimilar properties. This amino acid position is conserved. In addition, this alteration is predicted to be deleterious by in silico analysis. Based on the available evidence, the clinical significance of this variant remains unclear.

Labcorp Genetics (formerly Invitae), Labcorp
Classification: Uncertain significance for RASopathy. Last evaluated: 2024-02-17. Review status: criteria provided, single submitter. Criteria: Invitae Variant Classification Sherloc (09022015). Collection method: clinical testing. Allele origin: germline.
Comment: This sequence change replaces serine, which is neutral and polar, with phenylalanine, which is neutral and non-polar, at codon 486 of the CBL protein (p.Ser486Phe). This variant is not present in population databases (gnomAD no frequency). This variant has not been reported in the literature in individuals affected with CBL-related conditions. Advanced modeling of protein sequence and biophysical properties (such as structural, functional, and spatial information, amino acid conservation, physicochemical variation, residue mobility, and thermodynamic stability) performed at Invitae indicates that this missense variant is not expected to disrupt CBL protein function with a negative predictive value of 95%. In summary, the available evidence is currently insufficient to determine the role of this variant in disease. Therefore, it has been classified as a Variant of Uncertain Significance.

NM_005188.4(CBL):c.1457C>T (p.Ser486Phe)

Gene: CBL (Cbl proto-oncogene; plus strand). Cytogenetic location: 11q23.3.
Variant type: single nucleotide variant.
Coding change: c.1457C>T on transcript NM_005188.4 (MANE Select); coding-DNA position 1457, C replaced by T.
Protein change: p.Ser486Phe; replaces serine 486 with phenylalanine.
Molecular consequence: missense variant.
Genome position (GRCh38, 1-based): chr11:119,284,994, C>T. VCF-style: chr11-119284994-C-T. GRCh37 (hg19) VCF-style: chr11-119155704-C-T.
Other names: c.1457C>T (NM_005188.2); short protein forms S486F.
Identifiers: ClinVar variation 2822732 (VCV002822732.4), dbSNP rs1949969399, ClinGen allele CA382917834.